The following is an entry in ClinVar:

NM_006929.5(SKIC2):c.2527A>G (p.Arg843Gly)

Gene: SKIC2 (SKI2 subunit of superkiller complex; plus strand). Cytogenetic location: 6p21.33.
Variant type: single nucleotide variant.
Coding change: c.2527A>G on transcript NM_006929.5 (MANE Select); coding-DNA position 2527, A replaced by G.
Protein change: p.Arg843Gly; replaces arginine 843 with glycine.
Molecular consequence: missense variant.
Genome position (GRCh38, 1-based): chr6:31,967,321, A>G. VCF-style: chr6-31967321-A-G. GRCh37 (hg19) VCF-style: chr6-31935098-A-G.
Other names: short protein forms R843G.
Identifiers: ClinVar variation 1445601 (VCV001445601.6), dbSNP rs2151814558, ClinGen allele CA363474772.

ClinVar aggregate classification (germline): Uncertain significance (1 of 4 stars; one submission).

Submission:

Labcorp Genetics (formerly Invitae), Labcorp
Classification: Uncertain significance. Last evaluated: 2021-10-03. Review status: criteria provided, single submitter. Criteria: Invitae Variant Classification Sherloc (09022015). Collection method: clinical testing. Allele origin: germline.
Comment: This variant has not been reported in the literature in individuals affected with SKIV2L-related conditions. In summary, the available evidence is currently insufficient to determine the role of this variant in disease. Therefore, it has been classified as a Variant of Uncertain Significance. Algorithms developed to predict the effect of missense changes on protein structure and function are either unavailable or do not agree on the potential impact of this missense change (SIFT: "Deleterious"; PolyPhen-2: "Probably Damaging"; Align-GVGD: "Class C0"). This variant is not present in population databases (ExAC no frequency). This sequence change replaces arginine with glycine at codon 843 of the SKIV2L protein (p.Arg843Gly). The arginine residue is highly conserved and there is a moderate physicochemical difference between arginine and glycine.